The following is an entry in ClinVar:

NM_144687.4(NLRP12):c.2951C>A (p.Ala984Asp)

Gene: NLRP12 (NLR family pyrin domain containing 12; minus strand). Cytogenetic location: 19q13.42.
Variant type: single nucleotide variant.
Coding change: c.2951C>A on transcript NM_144687.4 (MANE Select); coding-DNA position 2951, C replaced by A.
Protein change: p.Ala984Asp; replaces alanine 984 with aspartic acid.
Molecular consequence: missense variant.
Genome position (GRCh38, 1-based): chr19:53,796,006, G>T on the plus strand (C>A on the coding strand, the complement: NLRP12 is on the minus strand). VCF-style: chr19-53796006-G-T. GRCh37 (hg19) VCF-style: chr19-54299260-G-T.
Other names: c.2954C>A, p.Ala985Asp (NM_001277126.2); c.2780C>A, p.Ala927Asp (NM_001277129.1); short protein forms A927D, A984D, A985D.
Identifiers: ClinVar variation 4626217 (VCV004626217.2).

ClinVar aggregate classification (germline): Uncertain significance. Review status: criteria provided, multiple submitters, no conflicts (2 of 4 stars). 2 submissions from 2 submitters: Uncertain significance (2). Last evaluated 2025-11-08.

Conditions:
Inborn genetic diseases. Identifiers: MedGen C0950123, MeSH D030342.
Familial cold autoinflammatory syndrome 2 (FCAS2). Identifiers: Orphanet 247868, MedGen C2673198, MONDO:0012724, OMIM 611762.

gnomAD v4.1: 3 of 1,613,976 alleles (0.00019%); highest among the groups gnomAD compares: Admixed American, 0.005%; no homozygotes.

Submissions (2):

Ambry Genetics
Classification: Uncertain significance for Inborn genetic diseases. Last evaluated: 2025-11-08. Review status: criteria provided, single submitter. Criteria: Ambry Variant Classification Scheme 2023. Collection method: clinical testing. Allele origin: germline.

Labcorp Genetics (formerly Invitae), Labcorp
Classification: Uncertain significance for Familial cold autoinflammatory syndrome 2. Last evaluated: 2025-10-29. Review status: criteria provided, single submitter. Criteria: Invitae Variant Classification Sherloc (09022015). Collection method: clinical testing. Allele origin: germline.
Comment: This sequence change replaces alanine, which is neutral and non-polar, with aspartic acid, which is acidic and polar, at codon 984 of the NLRP12 protein (p.Ala984Asp). This variant is present in population databases (no rsID available, gnomAD 0.003%). This variant has not been reported in the literature in individuals affected with NLRP12-related conditions. Experimental studies and prediction algorithms are not available or were not evaluated, and the functional significance of this variant is currently unknown. In summary, the available evidence is currently insufficient to determine the role of this variant in disease. Therefore, it has been classified as a Variant of Uncertain Significance.